The following is an entry in ClinVar:

NM_014363.6(SACS):c.7794A>T (p.Glu2598Asp)

Gene: SACS (sacsin molecular chaperone; minus strand). Cytogenetic location: 13q12.12.
Variant type: single nucleotide variant.
Coding change: c.7794A>T on transcript NM_014363.6 (MANE Select); coding-DNA position 7794, A replaced by T.
Protein change: p.Glu2598Asp; replaces glutamic acid 2598 with aspartic acid.
Molecular consequence: missense variant.
Genome position (GRCh38, 1-based): chr13:23,336,082, T>A on the plus strand (A>T on the coding strand, the complement: SACS is on the minus strand). VCF-style: chr13-23336082-T-A. GRCh37 (hg19) VCF-style: chr13-23910221-T-A.
Other names: c.7353A>T, p.Glu2451Asp (NM_001278055.2); short protein forms E2598D, E2451D.
Identifiers: ClinVar variation 839182 (VCV000839182.7), dbSNP rs1490465452, ClinGen allele CA387518222.

ClinVar aggregate classification (germline): Uncertain significance (1 of 4 stars; one submission).

Conditions:
Spastic paraplegia. Identifiers: MedGen C0037772, HP:0001258.

Submission:

Labcorp Genetics (formerly Invitae), Labcorp
Classification: Uncertain significance for Spastic paraplegia. Last evaluated: 2021-08-20. Review status: criteria provided, single submitter. Criteria: Invitae Variant Classification Sherloc (09022015). Collection method: clinical testing. Allele origin: germline.
Comment: This sequence change replaces glutamic acid with aspartic acid at codon 2598 of the SACS protein (p.Glu2598Asp). The glutamic acid residue is moderately conserved and there is a small physicochemical difference between glutamic acid and aspartic acid. This variant is not present in population databases (ExAC no frequency). This variant has not been reported in the literature in individuals affected with SACS-related conditions. Algorithms developed to predict the effect of missense changes on protein structure and function output the following: SIFT: "Deleterious"; PolyPhen-2: "Benign"; Align-GVGD: "Class C0". The aspartic acid amino acid residue is found in multiple mammalian species, which suggests that this missense change does not adversely affect protein function. In summary, the available evidence is currently insufficient to determine the role of this variant in disease. Therefore, it has been classified as a Variant of Uncertain Significance.